The following is an entry in ClinVar:

NM_007186.6(CEP250):c.4093G>A (p.Val1365Ile)

Gene: CEP250 (centrosomal protein 250; plus strand). Cytogenetic location: 20q11.22.
Variant type: single nucleotide variant.
Coding change: c.4093G>A on transcript NM_007186.6 (MANE Select); coding-DNA position 4093, G replaced by A.
Protein change: p.Val1365Ile; replaces valine 1365 with isoleucine.
Molecular consequence: missense variant.
Genome position (GRCh38, 1-based): chr20:35,502,462, G>A. VCF-style: chr20-35502462-G-A. GRCh37 (hg19) VCF-style: chr20-34090290-G-A.
Other names: c.2197G>A, p.Val733Ile (NM_001318219.1); c.4093G>A (NM_007186.3); short protein forms V733I, V1365I.
Identifiers: ClinVar variation 1391916 (VCV001391916.5), dbSNP rs780905570, ClinGen allele CA9833662.

ClinVar aggregate classification (germline): Uncertain significance. Review status: criteria provided, multiple submitters, no conflicts (2 of 4 stars). 2 submissions from 2 submitters: Uncertain significance (2). Last evaluated 2024-12-22.

gnomAD v4.1: 59 of 1,614,030 alleles (0.0037%); highest among the groups gnomAD compares: South Asian, 0.027%; no homozygotes.

Submissions (2):

Ambry Genetics
Classification: Uncertain significance. Last evaluated: 2024-12-22. Review status: criteria provided, single submitter. Criteria: Ambry Variant Classification Scheme 2023. Collection method: clinical testing. Allele origin: germline.

Labcorp Genetics (formerly Invitae), Labcorp
Classification: Uncertain significance. Last evaluated: 2022-08-09. Review status: criteria provided, single submitter. Criteria: Invitae Variant Classification Sherloc (09022015). Collection method: clinical testing. Allele origin: germline.
Comment: In summary, the available evidence is currently insufficient to determine the role of this variant in disease. Therefore, it has been classified as a Variant of Uncertain Significance. Algorithms developed to predict the effect of missense changes on protein structure and function are either unavailable or do not agree on the potential impact of this missense change (SIFT: "Not Available"; PolyPhen-2: "Benign"; Align-GVGD: "Not Available"). ClinVar contains an entry for this variant (Variation ID: 1391916). This variant has not been reported in the literature in individuals affected with CEP250-related conditions. This variant is present in population databases (rs780905570, gnomAD 0.02%). This sequence change replaces valine, which is neutral and non-polar, with isoleucine, which is neutral and non-polar, at codon 1365 of the CEP250 protein (p.Val1365Ile).